The following is an entry in ClinVar:

NM_001356.5(DDX3X):c.1335A>T (p.Leu445Phe)

Gene: DDX3X (DEAD-box helicase 3 X-linked; plus strand). Cytogenetic location: Xp11.4.
Variant type: single nucleotide variant.
Coding change: c.1335A>T on transcript NM_001356.5 (MANE Select); coding-DNA position 1335, A replaced by T.
Protein change: p.Leu445Phe; replaces leucine 445 with phenylalanine.
Molecular consequence: missense variant. On other transcripts: non-coding transcript variant (1).
Genome position (GRCh38, 1-based): chrX:41,346,248, A>T. VCF-style: chrX-41346248-A-T. GRCh37 (hg19) VCF-style: chrX-41205501-A-T.
Other names: c.1335A>T, p.Leu445Phe (NM_001193416.3); c.1287A>T, p.Leu429Phe (NM_001193417.3); c.777A>T, p.Leu259Phe (NM_001363819.1); short protein forms L429F, L445F, L259F.
Identifiers: ClinVar variation 3838900 (VCV003838900.2).

ClinVar aggregate classification (germline): Uncertain significance (1 of 4 stars; one submission).

Conditions:
Inborn genetic diseases. Identifiers: MedGen C0950123, MeSH D030342.

Submission:

Ambry Genetics
Classification: Uncertain significance for Inborn genetic diseases. Last evaluated: 2025-04-04. Review status: criteria provided, single submitter. Criteria: Ambry Variant Classification Scheme 2023. Collection method: clinical testing. Allele origin: germline.
Comment: The c.1335A>T (p.L445F) alteration is located in exon 13 (coding exon 13) of the DDX3X gene. This alteration results from an A to T substitution at nucleotide position 1335, causing the leucine (L) at amino acid position 445 to be replaced by a phenylalanine (F). This variant was not reported in population-based cohorts in the Genome Aggregation Database (gnomAD). This amino acid position is highly conserved in available vertebrate species. This missense alteration is located in a region that has a low rate of benign missense variation (Lek, 2016; Firth, 2009). The in silico prediction for this alteration is inconclusive. Based on insufficient or conflicting evidence, the clinical significance of this alteration remains unclear.